The following is an entry in ClinVar:

NM_005883.3(APC2):c.4507G>A (p.Glu1503Lys)

Gene: APC2 (APC regulator of Wnt signaling pathway 2; plus strand). Cytogenetic location: 19p13.3.
Variant type: single nucleotide variant.
Coding change: c.4507G>A on transcript NM_005883.3 (MANE Select); coding-DNA position 4507, G replaced by A.
Protein change: p.Glu1503Lys; replaces glutamic acid 1503 with lysine.
Molecular consequence: missense variant.
Genome position (GRCh38, 1-based): chr19:1,467,808, G>A. VCF-style: chr19-1467808-G-A. GRCh37 (hg19) VCF-style: chr19-1467807-G-A.
Other names: c.4504G>A, p.Glu1502Lys (NM_001351273.1); short protein forms E1502K, E1503K.
Identifiers: ClinVar variation 1706304 (VCV001706304.3), dbSNP rs749286807, ClinGen allele CA9045831.

ClinVar aggregate classification (germline): Uncertain significance (1 of 4 stars; one submission).

Submission:

GeneDx
Classification: Uncertain significance. Last evaluated: 2024-09-11. Review status: criteria provided, single submitter. Criteria: GeneDx Variant Classification Process June 2021. Collection method: clinical testing. Allele origin: germline.
Comment: Not observed at significant frequency in large population cohorts (gnomAD); In silico analysis supports that this missense variant does not alter protein structure/function; Has not been previously published as pathogenic or benign to our knowledge